The following is an entry in ClinVar:

ClinVar aggregate classification (germline): Uncertain significance (1 of 4 stars; one submission).

Submission:

GeneDx
Classification: Uncertain significance. Last evaluated: 2023-12-07. Review status: criteria provided, single submitter. Criteria: GeneDx Variant Classification Process June 2021. Collection method: clinical testing. Allele origin: germline. Affected: yes.
Comment: Not observed at significant frequency in large population cohorts (gnomAD); In silico analysis supports that this missense variant does not alter protein structure/function; Has not been previously published as pathogenic or benign to our knowledge

NM_020754.4(ARHGAP31):c.3991G>C (p.Gly1331Arg)

Gene: ARHGAP31 (Rho GTPase activating protein 31; plus strand). Cytogenetic location: 3q13.33.
Variant type: single nucleotide variant.
Coding change: c.3991G>C on transcript NM_020754.4 (MANE Select); coding-DNA position 3991, G replaced by C.
Protein change: p.Gly1331Arg; replaces glycine 1331 with arginine.
Molecular consequence: missense variant.
Genome position (GRCh38, 1-based): chr3:119,415,920, G>C. VCF-style: chr3-119415920-G-C. GRCh37 (hg19) VCF-style: chr3-119134767-G-C.
Other names: short protein forms G1331R.
Identifiers: ClinVar variation 3252376 (VCV003252376.1), dbSNP rs2472879310.